The following is an entry in ClinVar:

NM_001105206.3(LAMA4):c.2015T>C (p.Leu672Pro)

Gene: LAMA4 (laminin subunit alpha 4; minus strand). Cytogenetic location: 6q21.
Variant type: single nucleotide variant.
Coding change: c.2015T>C on transcript NM_001105206.3 (MANE Select); coding-DNA position 2015, T replaced by C.
Protein change: p.Leu672Pro; replaces leucine 672 with proline.
Molecular consequence: missense variant.
Genome position (GRCh38, 1-based): chr6:112,154,892, A>G on the plus strand (T>C on the coding strand, the complement: LAMA4 is on the minus strand). VCF-style: chr6-112154892-A-G. GRCh37 (hg19) VCF-style: chr6-112476094-A-G.
Other names: c.1994T>C, p.Leu665Pro (NM_001105207.3, NM_002290.5); short protein forms L665P, L672P.
Identifiers: ClinVar variation 2197853 (VCV002197853.4), dbSNP rs373081510, ClinGen allele CA3965612.

ClinVar aggregate classification (germline): Uncertain significance (1 of 4 stars; one submission).

Conditions:
Dilated cardiomyopathy 1JJ (CMD1JJ). Identifiers: Orphanet 154, MedGen C3808935, MONDO:0014095, OMIM 615235.

Allele frequency attached by ClinVar (database versions not stated): ESP Exome Variant Server 0.00008.
gnomAD v4.1: 8 of 1,613,444 alleles (0.0005%); highest among the groups gnomAD compares: Admixed American, 0.012%; no homozygotes.

Submission:

Labcorp Genetics (formerly Invitae), Labcorp
Classification: Uncertain significance for Dilated cardiomyopathy 1JJ. Last evaluated: 2022-05-28. Review status: criteria provided, single submitter. Criteria: Invitae Variant Classification Sherloc (09022015). Collection method: clinical testing. Allele origin: germline.
Comment: This sequence change replaces leucine, which is neutral and non-polar, with proline, which is neutral and non-polar, at codon 665 of the LAMA4 protein (p.Leu665Pro). In summary, the available evidence is currently insufficient to determine the role of this variant in disease. Therefore, it has been classified as a Variant of Uncertain Significance. Algorithms developed to predict the effect of missense changes on protein structure and function (SIFT, PolyPhen-2, Align-GVGD) all suggest that this variant is likely to be disruptive. This variant has not been reported in the literature in individuals affected with LAMA4-related conditions. This variant is present in population databases (rs373081510, gnomAD 0.009%).